The following is an entry in ClinVar:

ClinVar aggregate classification (germline): Uncertain significance (1 of 4 stars; one submission).

Conditions:
Familial melanoma. Also called: Hereditary melanoma; Hereditary cutaneous melanoma. Identifiers: Orphanet 618, MedGen C1512419, MONDO:0018961.

Submission:

Labcorp Genetics (formerly Invitae), Labcorp
Classification: Uncertain significance for Familial melanoma. Last evaluated: 2019-11-14. Review status: criteria provided, single submitter. Criteria: Invitae Variant Classification Sherloc (09022015). Collection method: clinical testing. Allele origin: germline.
Comment: This variant is not present in population databases (ExAC no frequency). This sequence change replaces proline with alanine at codon 212 of the CDK4 protein (p.Pro212Ala). The proline residue is highly conserved and there is a small physicochemical difference between proline and alanine. This variant has not been reported in the literature in individuals with CDK4-related conditions. Algorithms developed to predict the effect of missense changes on protein structure and function are either unavailable or do not agree on the potential impact of this missense change (SIFT: "Deleterious"; PolyPhen-2: "Benign"; Align-GVGD: "Class C0"). In summary, the available evidence is currently insufficient to determine the role of this variant in disease. Therefore, it has been classified as a Variant of Uncertain Significance.

NM_000075.4(CDK4):c.634C>G (p.Pro212Ala)

Genes: CDK4 (cyclin dependent kinase 4; minus strand), TSPAN31 (tetraspanin 31; plus strand). Cytogenetic location: 12q14.1.
Variant type: single nucleotide variant.
Coding change: c.634C>G on transcript NM_000075.4 (MANE Select); coding-DNA position 634, C replaced by G.
Protein change: p.Pro212Ala; replaces proline 212 with alanine.
Molecular consequence: missense variant. On other transcripts: 3 prime UTR variant (3).
Genome position (GRCh38, 1-based): chr12:57,749,503, G>C on the plus strand (C>G on the coding strand, the complement: CDK4 is on the minus strand). VCF-style: chr12-57749503-G-C. GRCh37 (hg19) VCF-style: chr12-58143286-G-C.
Other names: c.*2213G>C (NM_001330168.2, NM_001330169.2, NM_005981.5); short protein forms P212A.
Identifiers: ClinVar variation 963016 (VCV000963016.9), dbSNP rs1955206702, ClinGen allele CA385544318.
Genomic context (GRCh38, chr12:57,749,503, plus strand): 5'-TGGTCACTTACTCAAAGATTTTGCCCAACTGGTCGGCTTCAGAGTTTCCACAGAAGAGAG[G>C]CCTAAGGTGAGAAGGGATATAAGGTAGCAGTCATTTTCAAAGATATCTTAGTTGAATGGT-3'
Protein context (NP_000066.1, residues 202-222): CIFAEMFRRK[Pro212Ala]LFCGNSEADQ